The following is an entry in ClinVar:

ClinVar aggregate classification (germline): Likely pathogenic (1 of 4 stars; one submission).

Conditions:
Hereditary hemorrhagic telangiectasia (HHT). Also called: Osler hemorrhagic telangiectasia syndrome; ORW DISEASE; Osler Weber Rendu syndrome; OSLER-RENDU-WEBER DISEASE. Identifiers: Orphanet 774, MedGen C0039445, MONDO:0019180. Disease mechanism: loss of function.

Submission:

Laboratory for Molecular Medicine, Mass General Brigham Personalized Medicine
Classification: Likely pathogenic for Hereditary hemorrhagic telangiectasia. Last evaluated: 2016-02-16. Review status: criteria provided, single submitter. Criteria: ACMG Guidelines, 2015. Collection method: clinical testing. Allele origin: germline. Inheritance: Autosomal dominant inheritance.
Comment: The p.Leu135fs variant in ACVRL1 has not been previously reported in individuals with hereditary hemorrhagic telangiectasia (HHT) or in large population studies. This variant is predicted to cause a frameshift, which alters the protein’s amino acid sequence beginning at position 135 and leads to a premature termination codon 30 amino acids downstream. This alteration is then predicted to lead to a truncated or absent protein. In summary, although additional studies are required to fully establish its clinical significance, the p.Leu135fs variant is likely pathogenic.

NM_000020.3(ACVRL1):c.404del (p.Leu135fs)

Gene: ACVRL1 (activin A receptor like type 1; plus strand). Cytogenetic location: 12q13.13.
Variant type: Deletion.
Coding change: c.404del on transcript NM_000020.3 (MANE Select); coding-DNA position 404, one base deleted (T; older notation c.404delT).
Protein change: p.Leu135fs; shifts the reading frame from leucine 135.
Molecular consequence: frameshift variant. On other transcripts: intron variant (6).
Genome position (GRCh38, 1-based): chr12:51,913,649, T deleted. VCF-style (leftmost placement, unchanged base first): chr12-51913648-CT-C. GRCh37 (hg19) VCF-style: chr12-52307432-CT-C.
Other names: c.404del, p.Leu135fs (NM_001077401.2, NM_001406487.1, NM_001406488.1 and 1 more transcripts); c.313+299del (NM_001406491.1, NM_001406490.1, NM_001406492.1 and 2 more transcripts); c.62-790del (NM_001406495.1); short protein forms L135fs.
Identifiers: ClinVar variation 3076019 (VCV003076019.1), dbSNP rs2540160610, ClinGen allele CA2825002087.